The following is an entry in ClinVar:

ClinVar aggregate classification (germline): Conflicting classifications of pathogenicity. Review status: criteria provided, conflicting classifications (1 of 4 stars). 3 submissions from 3 submitters: Uncertain significance (2); Likely benign (1). Last evaluated 2026-08-01.

Allele frequency attached by ClinVar (database versions not stated): gnomAD exomes 0.00005 and 0.00013; ExAC 0.00006; ESP Exome Variant Server 0.00008; gnomAD 0.00008 and 0.00009; TOPMed 0.00008; 1000 Genomes Project 30x 0.00016; 1000 Genomes Project 0.00020.
gnomAD v4.1: 197 of 1,575,710 alleles (0.013%); highest among the groups gnomAD compares: Non-Finnish European, 0.016%; no homozygotes.

Submissions (3):

CeGaT Center for Human Genetics Tuebingen
Classification: Likely benign. Last evaluated: 2026-08-01. Review status: criteria provided, single submitter. Criteria: CeGaT Center For Human Genetics Tuebingen Variant Classification Criteria Version 2. Collection method: clinical testing. Allele origin: germline. Affected: yes. Observed: 1 variant allele.
Comment: MYO18B: BP4

Labcorp Genetics (formerly Invitae), Labcorp
Classification: Uncertain significance. Last evaluated: 2023-12-30. Review status: criteria provided, single submitter. Criteria: Invitae Variant Classification Sherloc (09022015). Collection method: clinical testing. Allele origin: germline.
Comment: This sequence change replaces threonine, which is neutral and polar, with methionine, which is neutral and non-polar, at codon 1413 of the MYO18B protein (p.Thr1413Met). This variant is present in population databases (rs201544556, gnomAD 0.008%). This variant has not been reported in the literature in individuals affected with MYO18B-related conditions. ClinVar contains an entry for this variant (Variation ID: 1489570). Algorithms developed to predict the effect of missense changes on protein structure and function output the following: SIFT: "Not Available"; PolyPhen-2: "Benign"; Align-GVGD: "Not Available". The methionine amino acid residue is found in multiple mammalian species, which suggests that this missense change does not adversely affect protein function. In summary, the available evidence is currently insufficient to determine the role of this variant in disease. Therefore, it has been classified as a Variant of Uncertain Significance.

GeneDx
Classification: Uncertain significance. Last evaluated: 2023-08-31. Review status: criteria provided, single submitter. Criteria: GeneDx Variant Classification Process June 2021. Collection method: clinical testing. Allele origin: germline. Affected: yes.
Comment: In silico analysis supports that this missense variant does not alter protein structure/function; Has not been previously published as pathogenic or benign to our knowledge

NM_032608.7(MYO18B):c.4238C>T (p.Thr1413Met)

Gene: MYO18B (myosin XVIIIB; plus strand). Cytogenetic location: 22q12.1.
Variant type: single nucleotide variant.
Coding change: c.4238C>T on transcript NM_032608.7 (MANE Select); coding-DNA position 4238, C replaced by T.
Protein change: p.Thr1413Met; replaces threonine 1413 with methionine.
Molecular consequence: missense variant.
Genome position (GRCh38, 1-based): chr22:25,877,972, C>T. VCF-style: chr22-25877972-C-T. GRCh37 (hg19) VCF-style: chr22-26273939-C-T.
Other names: c.4241C>T, p.Thr1414Met (NM_001318245.2); c.4238C>T (NM_032608.5); short protein forms T1413M, T1414M.
Identifiers: ClinVar variation 1489570 (VCV001489570.6), dbSNP rs201544556, ClinGen allele CA10160819.